The following is an entry in ClinVar:

ClinVar aggregate classification (germline): Pathogenic (1 of 4 stars; one submission).

Submission:

Labcorp Genetics (formerly Invitae), Labcorp
Classification: Pathogenic. Last evaluated: 2024-01-08. Review status: criteria provided, single submitter. Criteria: Invitae Variant Classification Sherloc (09022015). Collection method: clinical testing. Allele origin: germline.
Comment: This variant is a gross deletion of the genomic region encompassing exon(s) 38 of the TTC37 gene. This deletion is out-of-frame, and is expected to create a premature termination codon and result in an absent or disrupted protein product. Loss-of-function variants in TTC37 are known to be pathogenic (PMID: 20176027, 21120949). This variant has not been reported in the literature in individuals affected with TTC37-related conditions. For these reasons, this variant has been classified as Pathogenic.

Literature cited by the submitters: PubMed 20176027; PubMed 21120949.

NC_000005.9:g.(?_94820408)_(94820569_?)del

Gene: SKIC3 (SKI3 subunit of superkiller complex; minus strand). Cytogenetic location: 5q15.
Variant type: Deletion.
Identifiers: ClinVar variation 2425959 (VCV002425959.4).